The following is an entry in ClinVar:

ClinVar aggregate classification (germline): Uncertain significance (1 of 4 stars; one submission).

Conditions:
Developmental and epileptic encephalopathy, 31A. Also called: Epileptic encephalopathy, early infantile, 31; Developmental and epileptic encephalopathy, 31. Identifiers: Orphanet 2382, MedGen C4225357, MONDO:0014598, OMIM 616346.

Submission:

Labcorp Genetics (formerly Invitae), Labcorp
Classification: Uncertain significance for Developmental and epileptic encephalopathy, 31A. Last evaluated: 2024-10-30. Review status: criteria provided, single submitter. Criteria: Invitae Variant Classification Sherloc (09022015). Collection method: clinical testing. Allele origin: germline.
Comment: This sequence change replaces glycine, which is neutral and non-polar, with serine, which is neutral and polar, at codon 24 of the DNM1 protein (p.Gly24Ser). This variant is not present in population databases (gnomAD no frequency). This variant has not been reported in the literature in individuals affected with DNM1-related conditions. Invitae Evidence Modeling of protein sequence and biophysical properties (such as structural, functional, and spatial information, amino acid conservation, physicochemical variation, residue mobility, and thermodynamic stability) indicates that this missense variant is not expected to disrupt DNM1 protein function with a negative predictive value of 80%. In summary, the available evidence is currently insufficient to determine the role of this variant in disease. Therefore, it has been classified as a Variant of Uncertain Significance.

NM_004408.4(DNM1):c.70G>A (p.Gly24Ser)

Genes: CIZ1 (CDKN1A interacting zinc finger protein 1; minus strand), DNM1 (dynamin 1; plus strand). Cytogenetic location: 9q34.11.
Variant type: single nucleotide variant.
Coding change: c.70G>A on transcript NM_004408.4 (MANE Select); coding-DNA position 70, G replaced by A.
Protein change: p.Gly24Ser; replaces glycine 24 with serine.
Molecular consequence: missense variant. On other transcripts: intron variant (2).
Genome position (GRCh38, 1-based): chr9:128,203,540, G>A. VCF-style: chr9-128203540-G-A. GRCh37 (hg19) VCF-style: chr9-130965819-G-A.
Other names: c.70G>A, p.Gly24Ser (NM_001005336.3, NM_001288737.2, NM_001288738.2 and 2 more transcripts); c.-6+646C>T (NM_001131015.2, NM_012127.3); short protein forms G24S.
Identifiers: ClinVar variation 3665278 (VCV003665278.2).
Genomic context (GRCh38, chr9:128,203,540, plus strand): 5'-CGCGGCATGGAAGATCTCATCCCGCTGGTCAACCGGCTGCAAGACGCCTTCTCTGCCATC[G>A]GCCAGAACGCGGACCTCGACCTGCCGCAGATCGCTGTGGTGGGCGGCCAGAGCGCCGGCA-3'
Protein context (NP_004399.2, residues 14-34): NRLQDAFSAI[Gly24Ser]QNADLDLPQI